The following is an entry in ClinVar:

NM_001199107.2(TBC1D24):c.1510G>T (p.Asp504Tyr)

Gene: TBC1D24 (TBC1 domain family member 24; plus strand). Cytogenetic location: 16p13.3.
Variant type: single nucleotide variant.
Coding change: c.1510G>T on transcript NM_001199107.2 (MANE Select); coding-DNA position 1510, G replaced by T.
Protein change: p.Asp504Tyr; replaces aspartic acid 504 with tyrosine.
Molecular consequence: missense variant.
Genome position (GRCh38, 1-based): chr16:2,500,475, G>T. VCF-style: chr16-2500475-G-T. GRCh37 (hg19) VCF-style: chr16-2550476-G-T.
Other names: c.1492G>T, p.Asp498Tyr (NM_020705.3); short protein forms D504Y, D498Y.
Identifiers: ClinVar variation 2605403 (VCV002605403.4), dbSNP rs767925237, ClinGen allele CA7844308.

ClinVar aggregate classification (germline): Uncertain significance. Review status: criteria provided, multiple submitters, no conflicts (2 of 4 stars). 2 submissions from 2 submitters: Uncertain significance (2). Last evaluated 2024-10-28.

Conditions:
Inborn genetic diseases. Identifiers: MedGen C0950123, MeSH D030342.
Autosomal dominant nonsyndromic hearing loss 65. Also called: Deafness, autosomal dominant 65; TBC1D24-Related Autosomal Dominant Nonsyndromic Hearing Loss (DFNA). Identifiers: Orphanet 90635, MedGen C3892048, MONDO:0014470, OMIM 616044.
Developmental and epileptic encephalopathy, 1 (DEE1). Also called: INFANTILE SPASM SYNDROME, X-LINKED 1; X-linked infantile spasms; West's syndrome; Tonic spasms with clustering, arrest of psychomotor development and hypsarrhythmia on EEG; X-Linked Infantile Spasm Syndrome; OHTAHARA SYNDROME, X-LINKED. Identifiers: MedGen C3463992, MONDO:0010632, OMIM 308350. Disease mechanism: loss of function.

gnomAD v4.1: 9 of 1,573,690 alleles (0.00057%); highest among the groups gnomAD compares: East Asian, 0.016%; no homozygotes.

Submissions (2):

Labcorp Genetics (formerly Invitae), Labcorp
Classification: Uncertain significance for Developmental and epileptic encephalopathy, 1; Autosomal dominant nonsyndromic hearing loss 65. Last evaluated: 2024-10-28. Review status: criteria provided, single submitter. Criteria: Invitae Variant Classification Sherloc (09022015). Collection method: clinical testing. Allele origin: germline.
Comment: This sequence change replaces aspartic acid, which is acidic and polar, with tyrosine, which is neutral and polar, at codon 504 of the TBC1D24 protein (p.Asp504Tyr). This variant is present in population databases (rs767925237, gnomAD 0.05%). This variant has not been reported in the literature in individuals affected with TBC1D24-related conditions. ClinVar contains an entry for this variant (Variation ID: 2605403). Invitae Evidence Modeling of protein sequence and biophysical properties (such as structural, functional, and spatial information, amino acid conservation, physicochemical variation, residue mobility, and thermodynamic stability) indicates that this missense variant is not expected to disrupt TBC1D24 protein function with a negative predictive value of 80%. In summary, the available evidence is currently insufficient to determine the role of this variant in disease. Therefore, it has been classified as a Variant of Uncertain Significance.

Ambry Genetics
Classification: Uncertain significance for Inborn genetic diseases. Last evaluated: 2023-06-22. Review status: criteria provided, single submitter. Criteria: Ambry Variant Classification Scheme 2023. Collection method: clinical testing. Allele origin: germline.